The following is an entry in ClinVar:

ClinVar aggregate classification (germline): Uncertain significance (1 of 4 stars; one submission).

Allele frequency attached by ClinVar (database versions not stated): gnomAD 0.00001; TOPMed 0.00001.
gnomAD v4.1: 2 of 1,604,718 alleles (0.00012%); highest among the groups gnomAD compares: Non-Finnish European, 0.00017%; no homozygotes.

Submission:

Labcorp Genetics (formerly Invitae), Labcorp
Classification: Uncertain significance. Last evaluated: 2024-05-31. Review status: criteria provided, single submitter. Criteria: Invitae Variant Classification Sherloc (09022015). Collection method: clinical testing. Allele origin: germline.
Comment: This sequence change replaces alanine, which is neutral and non-polar, with threonine, which is neutral and polar, at codon 602 of the TNNI3K protein (p.Ala602Thr). This variant is not present in population databases (gnomAD no frequency). This variant has not been reported in the literature in individuals affected with TNNI3K-related conditions. An algorithm developed to predict the effect of missense changes on protein structure and function (PolyPhen-2) suggests that this variant is likely to be disruptive. In summary, the available evidence is currently insufficient to determine the role of this variant in disease. Therefore, it has been classified as a Variant of Uncertain Significance.

NM_015978.3(TNNI3K):c.1804G>A (p.Ala602Thr)

Genes: FPGT-TNNI3K (FPGT-TNNI3K readthrough; plus strand), TNNI3K (TNNI3 interacting kinase; plus strand). Cytogenetic location: 1p31.1.
Variant type: single nucleotide variant.
Coding change: c.1804G>A on transcript NM_015978.3 (MANE Select); coding-DNA position 1804, G replaced by A.
Protein change: p.Ala602Thr; replaces alanine 602 with threonine.
Molecular consequence: missense variant.
Genome position (GRCh38, 1-based): chr1:74,436,111, G>A. VCF-style: chr1-74436111-G-A. GRCh37 (hg19) VCF-style: chr1-74901795-G-A.
Other names: c.2107G>A, p.Ala703Thr (NM_001112808.3, NM_001199327.2); short protein forms A703T, A602T.
Identifiers: ClinVar variation 2873467 (VCV002873467.3), dbSNP rs1017252937, ClinGen allele CA24564669.